The following is an entry in ClinVar:

NM_001348768.2(HECW2):c.2261C>T (p.Pro754Leu)

Gene: HECW2 (HECT, C2 and WW domain containing E3 ubiquitin protein ligase 2; minus strand). Cytogenetic location: 2q32.3.
Variant type: single nucleotide variant.
Coding change: c.2261C>T on transcript NM_001348768.2 (MANE Select); coding-DNA position 2261, C replaced by T.
Protein change: p.Pro754Leu; replaces proline 754 with leucine.
Molecular consequence: missense variant.
Genome position (GRCh38, 1-based): chr2:196,318,629, G>A on the plus strand (C>T on the coding strand, the complement: HECW2 is on the minus strand). VCF-style: chr2-196318629-G-A. GRCh37 (hg19) VCF-style: chr2-197183353-G-A.
Other names: c.1193C>T, p.Pro398Leu (NM_001304840.3); c.2261C>T, p.Pro754Leu (NM_020760.4); short protein forms P398L, P754L.
Identifiers: ClinVar variation 1028186 (VCV001028186.2), dbSNP rs1691794356, ClinGen allele CA349963368.

ClinVar aggregate classification (germline): Uncertain significance. Review status: criteria provided, multiple submitters, no conflicts (2 of 4 stars). 2 submissions from 2 submitters: Uncertain significance (2). Last evaluated 2025-01-27.

Conditions:
Inborn genetic diseases. Identifiers: MedGen C0950123, MeSH D030342.
Neurodevelopmental disorder with hypotonia, seizures, and absent language (NDHSAL). Identifiers: MedGen C4310643, MONDO:0014995, OMIM 617268.

Allele frequency attached by ClinVar (database versions not stated): gnomAD 0.00001; gnomAD exomes 0.00001; TOPMed 0.00001.
gnomAD v4.1: 8 of 1,590,588 alleles (0.0005%); highest among the groups gnomAD compares: Admixed American, 0.0018%; no homozygotes.

Submissions (2):

Ambry Genetics
Classification: Uncertain significance for Inborn genetic diseases. Last evaluated: 2025-01-27. Review status: criteria provided, single submitter. Criteria: Ambry Variant Classification Scheme 2023. Collection method: clinical testing. Allele origin: germline.

Baylor Genetics
Classification: Uncertain significance for Neurodevelopmental disorder with hypotonia, seizures, and absent language. Last evaluated: 2019-07-17. Review status: criteria provided, single submitter. Criteria: ACMG Guidelines, 2015. Collection method: clinical testing. Allele origin: unknown. Affected: yes.
Comment: This variant was determined to be of uncertain significance according to ACMG Guidelines, 2015 [PMID:25741868].